The following is an entry in ClinVar:

ClinVar aggregate classification (germline): Uncertain significance (1 of 4 stars; one submission).

Allele frequency attached by ClinVar (database versions not stated): gnomAD 0.00001 and 0.00002; gnomAD exomes 0.00001 and 0.00002; TOPMed 0.00001; ExAC 0.00003.
gnomAD v4.1: 16 of 1,608,628 alleles (0.00099%); highest among the groups gnomAD compares: Middle Eastern, 0.049%; no homozygotes.

Submission:

Labcorp Genetics (formerly Invitae), Labcorp
Classification: Uncertain significance. Last evaluated: 2026-01-04. Review status: criteria provided, single submitter. Criteria: Invitae Variant Classification Sherloc (09022015). Collection method: clinical testing. Allele origin: germline.
Comment: This sequence change replaces glutamic acid, which is acidic and polar, with lysine, which is basic and polar, at codon 534 of the TCF3 protein (p.Glu534Lys). This variant is present in population databases (rs767123017, gnomAD 0.006%). This variant has not been reported in the literature in individuals affected with TCF3-related conditions. ClinVar contains an entry for this variant (Variation ID: 1396657). Invitae Evidence Modeling of protein sequence and biophysical properties (such as structural, functional, and spatial information, amino acid conservation, physicochemical variation, residue mobility, and thermodynamic stability) indicates that this missense variant is not expected to disrupt TCF3 protein function with a negative predictive value of 80%. Algorithms developed to predict the effect of sequence changes on RNA splicing suggest that this variant may create or strengthen a splice site. In summary, the available evidence is currently insufficient to determine the role of this variant in disease. Therefore, it has been classified as a Variant of Uncertain Significance.

NM_003200.5(TCF3):c.1600G>A (p.Glu534Lys)

Gene: TCF3 (transcription factor 3; minus strand). Cytogenetic location: 19p13.3.
Variant type: single nucleotide variant.
Coding change: c.1600G>A on transcript NM_003200.5 (MANE Select); coding-DNA position 1600, G replaced by A.
Protein change: p.Glu534Lys; replaces glutamic acid 534 with lysine.
Molecular consequence: missense variant. On other transcripts: intron variant (2).
Genome position (GRCh38, 1-based): chr19:1,615,507, C>T on the plus strand (G>A on the coding strand, the complement: TCF3 is on the minus strand). VCF-style: chr19-1615507-C-T. GRCh37 (hg19) VCF-style: chr19-1615506-C-T.
Other names: c.1597G>A, p.Glu533Lys (NM_001351778.2); c.1586+179G>A (NM_001136139.4, NM_001351779.2); short protein forms E533K, E534K.
Identifiers: ClinVar variation 1396657 (VCV001396657.6), dbSNP rs767123017, ClinGen allele CA9049686.